The following is an entry in ClinVar:

ClinVar aggregate classification (germline): Uncertain significance. Review status: criteria provided, multiple submitters, no conflicts (2 of 4 stars). 3 submissions from 3 submitters: Uncertain significance (3). Last evaluated 2025-04-08.

Conditions:
Inborn genetic diseases. Identifiers: MedGen C0950123, MeSH D030342.
RP1L1-related disorder. Also called: RP1L1-related condition.

Allele frequency attached by ClinVar (database versions not stated): ExAC 0.00001; gnomAD exomes 0.00003; gnomAD 0.00005; TOPMed 0.00018.

Submissions (3):

PreventionGenetics, part of Exact Sciences
Classification: Uncertain significance for RP1L1-related condition. Last evaluated: 2025-04-08. Review status: criteria provided, single submitter. Criteria: ACMG Guidelines, 2015. Collection method: clinical testing. Allele origin: germline.
Comment: The RP1L1 c.1448C>T variant is predicted to result in the amino acid substitution p.Ala483Val. To our knowledge, this variant has not been reported in the literature. This variant is reported in 0.015% of alleles in individuals of Latino descent in gnomAD. At this time, the clinical significance of this variant is uncertain due to the absence of conclusive functional and genetic evidence.

Ambry Genetics
Classification: Uncertain significance for Inborn genetic diseases. Last evaluated: 2023-11-27. Review status: criteria provided, single submitter. Criteria: Ambry Variant Classification Scheme 2023. Collection method: clinical testing. Allele origin: germline.

Blueprint Genetics
Classification: Uncertain significance. Last evaluated: 2022-11-30. Review status: criteria provided, single submitter. Criteria: ACMG Guidelines, 2015. Collection method: clinical testing. Allele origin: germline.

NM_178857.6(RP1L1):c.1448C>T (p.Ala483Val)

Gene: RP1L1 (RP1 like 1). Cytogenetic location: 8p23.1.
Variant type: single nucleotide variant.
Coding change: c.1448C>T on transcript NM_178857.6 (MANE Select); coding-DNA position 1448, C replaced by T.
Protein change: p.Ala483Val; replaces alanine 483 with valine.
Molecular consequence: missense variant.
Genome position (GRCh38, 1-based): chr8:10,612,650, G>A on the plus strand (C>T on the coding strand, the complement: RP1L1 is on the minus strand). VCF-style: chr8-10612650-G-A. GRCh37 (hg19) VCF-style: chr8-10470160-G-A.
Other names: short protein forms A483V.
Identifiers: ClinVar variation 3155802 (VCV003155802.3), dbSNP rs757920470, ClinGen allele CA4625168.
Genomic context (GRCh38, chr8:10,612,650, plus strand): 5'-GGGTCCTCACCCAGGCTCCCTCCAGCTTTCCGCTCAGCCCCTATCTGGGCAGAGGGGCTG[G>A]CACTGTCCACCCCGTCCTCCGGGGTCCTGGGGCAGCAGGAGGACTCTGGCTCCGAGCCCT-3'
Protein context (NP_849188.4, residues 473-493): PRTPEDGVDS[Ala483Val]SPSAQIGAER